The following is an entry in ClinVar:

NM_001753.5(CAV1):c.129C>T (p.Asp43=)

Gene: CAV1 (caveolin 1; plus strand). Cytogenetic location: 7q31.2.
Variant type: single nucleotide variant.
Coding change: c.129C>T on transcript NM_001753.5 (MANE Select); coding-DNA position 129, C replaced by T.
Protein change: p.Asp43=; no amino-acid change (aspartic acid 43 retained).
Molecular consequence: synonymous variant.
Genome position (GRCh38, 1-based): chr7:116,526,623, C>T. VCF-style: chr7-116526623-C-T. GRCh37 (hg19) VCF-style: chr7-116166677-C-T.
Other names: c.36C>T, p.Asp12= (NM_001172895.1, NM_001172896.2, NM_001172897.2).
Identifiers: ClinVar variation 696786 (VCV000696786.16), dbSNP rs201261029, ClinGen allele CA4447828.

ClinVar aggregate classification (germline): Benign/Likely benign. Review status: criteria provided, multiple submitters, no conflicts (2 of 4 stars). 5 submissions from 5 submitters: Benign (2); Likely benign (3). Last evaluated 2026-07-09.

Conditions:
Pulmonary hypertension, primary, 3. Identifiers: Orphanet 422, MedGen C3809192, MONDO:0014135, OMIM 615343.
CAV1-related disorder. Also called: CAV1-related condition.
Inborn genetic diseases. Identifiers: MedGen C0950123, MeSH D030342.
Congenital generalized lipodystrophy type 3 (CGL3). Also called: BERARDINELLI-SEIP CONGENITAL LIPODYSTROPHY, TYPE 3. Identifiers: Orphanet 528, Orphanet 696206, MedGen C2675861, MONDO:0012923, OMIM 612526.
Partial lipodystrophy, congenital cataracts, and neurodegeneration syndrome (FPLD7). Identifiers: MedGen C3807567, MONDO:0011714, OMIM 606721.

Allele frequency attached by ClinVar (database versions not stated): gnomAD 0.00014 and 0.00018; ESP Exome Variant Server 0.00015; TOPMed 0.00015; 1000 Genomes Project 30x 0.00047; 1000 Genomes Project 0.00060.
gnomAD v4.1: 233 of 1,614,068 alleles (0.014%); highest among the groups gnomAD compares: South Asian, 0.13%; 2 homozygotes.

Submissions (5):

PreventionGenetics, part of Exact Sciences
Classification: Likely benign for CAV1-related condition. Last evaluated: 2026-07-09. Review status: criteria provided, single submitter. Criteria: ACMG Guidelines, 2015. Collection method: clinical testing. Allele origin: germline.
Comment: This variant is classified as likely benign based on ACMG/AMP sequence variant interpretation guidelines (Richards et al. 2015 PMID: 25741868, with internal and published modifications).

Labcorp Genetics (formerly Invitae), Labcorp
Classification: Benign for Pulmonary hypertension, primary, 3. Last evaluated: 2026-01-18. Review status: criteria provided, single submitter. Criteria: Invitae Variant Classification Sherloc (09022015). Collection method: clinical testing. Allele origin: germline.

Ambry Genetics
Classification: Likely benign for Inborn genetic diseases. Last evaluated: 2022-11-17. Review status: criteria provided, single submitter. Criteria: Ambry Variant Classification Scheme 2023. Collection method: clinical testing. Allele origin: germline.

Fulgent Genetics
Classification: Likely benign for Partial lipodystrophy, congenital cataracts, and neurodegeneration syndrome; Congenital generalized lipodystrophy type 3; Pulmonary hypertension, primary, 3. Last evaluated: 2021-11-27. Review status: criteria provided, single submitter. Criteria: ACMG Guidelines, 2015. Collection method: clinical testing. Allele origin: unknown.

Breakthrough Genomics
Classification: Benign. Review status: criteria provided, single submitter. Criteria: ACMG Guidelines, 2015. Collection method: not provided. Allele origin: germline. Inheritance: Autosomal recessive inheritance. Affected: yes.